The following is an entry in ClinVar:

ClinVar aggregate classification (germline): Uncertain significance. Review status: criteria provided, multiple submitters, no conflicts (2 of 4 stars). 2 submissions from 2 submitters: Uncertain significance (2). Last evaluated 2025-11-18.

Conditions:
Charcot-Marie-Tooth disease dominant intermediate C (CMTDIC). Also called: CHARCOT-MARIE-TOOTH NEUROPATHY, DOMINANT INTERMEDIATE C. Identifiers: Orphanet 100045, MedGen C1842237, MONDO:0012012, OMIM 608323.
Inborn genetic diseases. Identifiers: MedGen C0950123, MeSH D030342.

Allele frequency attached by ClinVar (database versions not stated): gnomAD 0.00005 and 0.00006; TOPMed 0.00006; ESP Exome Variant Server 0.00015.
gnomAD v4.1: 71 of 1,614,030 alleles (0.0044%); highest among the groups gnomAD compares: East Asian, 0.0067%; no homozygotes.

Submissions (2):

Labcorp Genetics (formerly Invitae), Labcorp
Classification: Uncertain significance for Charcot-Marie-Tooth disease dominant intermediate C. Last evaluated: 2025-11-18. Review status: criteria provided, single submitter. Criteria: Invitae Variant Classification Sherloc (09022015). Collection method: clinical testing. Allele origin: germline.
Comment: This sequence change replaces arginine, which is basic and polar, with histidine, which is basic and polar, at codon 450 of the YARS protein (p.Arg450His). This variant is present in population databases (rs147005844, gnomAD 0.006%). This variant has not been reported in the literature in individuals affected with YARS-related conditions. ClinVar contains an entry for this variant (Variation ID: 944972). Invitae Evidence Modeling of protein sequence and biophysical properties (such as structural, functional, and spatial information, amino acid conservation, physicochemical variation, residue mobility, and thermodynamic stability) indicates that this missense variant is not expected to disrupt YARS protein function with a negative predictive value of 80%. In summary, the available evidence is currently insufficient to determine the role of this variant in disease. Therefore, it has been classified as a Variant of Uncertain Significance.

Ambry Genetics
Classification: Uncertain significance for Inborn genetic diseases. Last evaluated: 2025-08-24. Review status: criteria provided, single submitter. Criteria: Ambry Variant Classification Scheme 2023. Collection method: clinical testing. Allele origin: germline.

NM_003680.4(YARS1):c.1349G>A (p.Arg450His)

Gene: YARS1 (tyrosyl-tRNA synthetase 1; minus strand). Cytogenetic location: 1p35.1.
Variant type: single nucleotide variant.
Coding change: c.1349G>A on transcript NM_003680.4 (MANE Select); coding-DNA position 1349, G replaced by A.
Protein change: p.Arg450His; replaces arginine 450 with histidine.
Molecular consequence: missense variant.
Genome position (GRCh38, 1-based): chr1:32,779,509, C>T on the plus strand (G>A on the coding strand, the complement: YARS1 is on the minus strand). VCF-style: chr1-32779509-C-T. GRCh37 (hg19) VCF-style: chr1-33245110-C-T.
Other names: short protein forms R450H.
Identifiers: ClinVar variation 944972 (VCV000944972.10), dbSNP rs147005844, ClinGen allele CA744908.